The following is an entry in ClinVar:

NM_001370658.1(BTD):c.383G>A (p.Arg128His)

Gene: BTD (biotinidase; plus strand). Cytogenetic location: 3p25.1.
Variant type: single nucleotide variant.
Coding change: c.383G>A on transcript NM_001370658.1 (MANE Select); coding-DNA position 383, G replaced by A.
Protein change: p.Arg128His; replaces arginine 128 with histidine.
Molecular consequence: missense variant.
Genome position (GRCh38, 1-based): chr3:15,642,041, G>A. VCF-style: chr3-15642041-G-A. GRCh37 (hg19) VCF-style: chr3-15683548-G-A.
Other names: c.443G>A, p.Arg148His (NM_000060.4); c.383G>A, p.Arg128His (NM_001281723.4, NM_001281724.3, NM_001281725.3 and 36 more transcripts); c.446G>A, p.Arg149His (NM_001407381.1); short protein forms R128H, R149H.
Identifiers: ClinVar variation 25005 (VCV000025005.29), dbSNP rs367902696, ClinGen allele CA278201.
Genomic context (GRCh38, chr3:15,642,041, plus strand): 5'-TTTTGGACTTCATGCCGTCTCCCCAGGTGGTCAGGTGGAACCCATGCCTGGAGCCTCACC[G>A]CTTCAATGACACAGAGGTGATTCCTGCCTTTTTCCTCAGTAGGCTGAGGGTACACAGAGG-3'
Protein context (NP_001357587.1, residues 118-138): VRWNPCLEPH[Arg128His]FNDTEVLQRL

ClinVar aggregate classification (germline): Conflicting classifications of pathogenicity. Review status: criteria provided, conflicting classifications (1 of 4 stars). 8 submissions from 8 submitters: Likely pathogenic (5); Uncertain significance (2). 1 of the submissions does not count toward it. Last evaluated 2026-06-15.

Conditions:
BTD-related disorder. Also called: BTD-related condition.
Inborn genetic diseases. Identifiers: MedGen C0950123, MeSH D030342.
Biotinidase deficiency. Also called: Biotin deficiency; BTD deficiency; Late-onset biotin-responsive multiple carboxylase deficiency. Identifiers: Orphanet 79241, MedGen C0220754, MONDO:0009665, OMIM 253260.

Allele frequency attached by ClinVar (database versions not stated): ExAC 0.00005; gnomAD 0.00006 and 0.00005; ESP Exome Variant Server 0.00008; gnomAD exomes 0.00006; TOPMed 0.00012.
gnomAD v4.1: 138 of 1,614,004 alleles (0.0086%); highest among the groups gnomAD compares: Non-Finnish European, 0.01%; no homozygotes.

Submissions (8):

Ambry Genetics
Classification: Likely pathogenic for Inborn genetic diseases. Last evaluated: 2026-06-15. Review status: criteria provided, single submitter. Criteria: Ambry Variant Classification Scheme 2023. Collection method: clinical testing. Allele origin: germline.
Comment: The c.443G>A (p.R148H) alteration is located in exon 3 (coding exon 3) of the BTD gene. This alteration results from a G to A substitution at nucleotide position 443, causing the arginine (R) at amino acid position 148 to be replaced by a histidine (H). Based on data from gnomAD, the A allele has an overall frequency of 0.006% (16/282674) total alleles studied. The highest observed frequency was 0.0160% (4/24960) of African alleles. This variant has been identified in conjunction with other BTD variants in individual with features consistent with partial biotinidase deficiency; in at least one instance, the variants were identified in trans (Funghini, 2020; Ohlsson, 2010). This amino acid position is not well conserved in available vertebrate species. The in silico prediction for this alteration is inconclusive. Based on the available evidence, this alteration is classified as likely pathogenic.

Labcorp Genetics (formerly Invitae), Labcorp
Classification: Likely pathogenic for Biotinidase deficiency. Last evaluated: 2025-12-10. Review status: criteria provided, single submitter. Criteria: Invitae Variant Classification Sherloc (09022015). Collection method: clinical testing. Allele origin: germline.
Comment: This sequence change replaces arginine, which is basic and polar, with histidine, which is basic and polar, at codon 148 of the BTD protein (p.Arg148His). This variant is present in population databases (rs367902696, gnomAD 0.01%). This missense change has been observed in individuals with biotinidase deficiency (PMID: 20224900, 33312878). ClinVar contains an entry for this variant (Variation ID: 25005). Invitae Evidence Modeling of protein sequence and biophysical properties (such as structural, functional, and spatial information, amino acid conservation, physicochemical variation, residue mobility, and thermodynamic stability) indicates that this missense variant is expected to disrupt BTD protein function with a positive predictive value of 95%. In summary, the currently available evidence indicates that the variant is pathogenic, but additional data are needed to prove that conclusively. Therefore, this variant has been classified as Likely Pathogenic.

Natera, Inc.
Classification: Likely pathogenic for Biotinidase deficiency. Last evaluated: 2025-09-02. Review status: criteria provided, single submitter. Criteria: Natera Variant Classification Schema (03/2026). Collection method: clinical testing. Allele origin: germline.
Comment: The c.383G>A variant in BTD is a missense variant predicted to cause substitution of arginine to histidine at amino acid 128. This variant is rare in the general population with a frequency below the threshold expected for the associated phenotype(s). This variant has been observed in one or more individuals affected with the associated recessive disease, as either homozygous or compound heterozygous with a second variant (PMID: 33312878, 20224900). Functional studies show that this variant may disrupt protein function (PMID: 33312878, 20224900). Computational prediction algorithms indicate this variant is likely to affect gene or protein function. Given the available evidence, this variant is classified as Likely Pathogenic.

Women's Health and Genetics/Laboratory Corporation of America, LabCorp
Classification: Uncertain significance. Last evaluated: 2025-05-23. Review status: criteria provided, single submitter. Criteria: LabCorp Variant Classification Summary - May 2015. Collection method: clinical testing. Allele origin: germline.
Comment: Variant summary: BTD c.383G>A (p.Arg128His) results in a non-conservative amino acid change in the encoded protein sequence. Four of five in-silico tools predict a damaging effect of the variant on protein function. The variant allele was found at a frequency of 6e-05 in 251272 control chromosomes. This frequency is not significantly higher than estimated for a pathogenic variant in BTD causing Biotinidase Deficiency (6e-05 vs 0.0046), allowing no conclusion about variant significance. c.383G>A has been reported in the literature in the compound heterozygous state in an individual affected with partial biotinidase deficiency and in the mother of a proband with partial biotinidase deficiency, who was asymptomatic but was found to have decreased plasma biotinidase activity outside the normal range (Ohlsson_2010, Funghini_2020). At least one publication reports a presumed activity decrease (50%-90% of normal activity) in a patient sample who carried a low-activity frameshift on the other allele (e.g., Funghini_2020). The following publications have been ascertained in the context of this evaluation (PMID: 33312878, 20224900). ClinVar contains an entry for this variant (Variation ID: 25005). Based on the evidence outlined above, the variant was classified as uncertain significance.

GeneDx
Classification: Uncertain significance. Last evaluated: 2024-04-27. Review status: criteria provided, single submitter. Criteria: GeneDx Variant Classification Process June 2021. Collection method: clinical testing. Allele origin: germline. Affected: yes.
Comment: In silico analysis supports that this missense variant has a deleterious effect on protein structure/function; This variant is associated with the following publications: (PMID: 25087612, 20556795, 33312878, 20224900)

Blueprint Genetics
Classification: Likely pathogenic for BTD-related disorders. Last evaluated: 2024-03-03. Review status: criteria provided, single submitter. Criteria: ACMG Guidelines, 2015. Collection method: clinical testing. Allele origin: germline. Affected: yes. Observed: 5 variant alleles.

Fulgent Genetics
Classification: Likely pathogenic for Biotinidase deficiency. Last evaluated: 2018-10-31. Review status: criteria provided, single submitter. Criteria: ACMG Guidelines, 2015. Collection method: clinical testing. Allele origin: unknown.

Counsyl
Classification: Uncertain significance for Biotinidase deficiency. Last evaluated: 2019-05-17. Review status: no assertion criteria provided. Collection method: clinical testing. Allele origin: unknown. Not counted in ClinVar's aggregate classification.

Literature cited by the submitters: PubMed 20224900 (cited by 5 submitters); PubMed 20556795 (cited by Ambry Genetics and Counsyl); PubMed 33312878 (cited by 4 submitters).